The following is an entry in ClinVar:

NM_000416.3(IFNGR1):c.1169G>A (p.Gly390Asp)

Gene: IFNGR1 (interferon gamma receptor 1; minus strand). Cytogenetic location: 6q23.3.
Variant type: single nucleotide variant.
Coding change: c.1169G>A on transcript NM_000416.3 (MANE Select); coding-DNA position 1169, G replaced by A.
Protein change: p.Gly390Asp; replaces glycine 390 with aspartic acid.
Molecular consequence: missense variant.
Genome position (GRCh38, 1-based): chr6:137,198,332, C>T on the plus strand (G>A on the coding strand, the complement: IFNGR1 is on the minus strand). VCF-style: chr6-137198332-C-T. GRCh37 (hg19) VCF-style: chr6-137519469-C-T.
Other names: c.1139G>A, p.Gly380Asp (NM_001363526.1); c.1046G>A, p.Gly349Asp (NM_001363527.1); short protein forms G380D, G390D, G349D.
Identifiers: ClinVar variation 4745775 (VCV004745775.1).
Genomic context (GRCh38, chr6:137,198,332, plus strand): 5'-TTTCTGGAGTGATCACTCTCAGAACAATTTCTGGAGTGATACGAGTTTAAAGCGATGCTG[C>T]CAGGTTCAGACTGGTTACTACTTAAAGGTGAAGAACTCTCTCTCTCTATTGGAGTCAGAT-3'
Protein context (NP_000407.1, residues 380-400): SPLSSNQSEP[Gly390Asp]SIALNSYHSR

ClinVar aggregate classification (germline): Uncertain significance (1 of 4 stars; one submission).

Conditions:
Disseminated atypical mycobacterial infection. Identifiers: MedGen C0694566.

gnomAD v4.1: 5 of 1,613,370 alleles (0.00031%); highest among the groups gnomAD compares: African/African-American, 0.0027%; no homozygotes.

Submission:

Labcorp Genetics (formerly Invitae), Labcorp
Classification: Uncertain significance for Disseminated atypical mycobacterial infection. Last evaluated: 2025-12-03. Review status: criteria provided, single submitter. Criteria: Invitae Variant Classification Sherloc (09022015). Collection method: clinical testing. Allele origin: germline.
Comment: This sequence change replaces glycine, which is neutral and non-polar, with aspartic acid, which is acidic and polar, at codon 390 of the IFNGR1 protein (p.Gly390Asp). This variant is present in population databases (rs748762532, gnomAD 0.003%). This variant has not been reported in the literature in individuals affected with IFNGR1-related conditions. Invitae Evidence Modeling of protein sequence and biophysical properties (such as structural, functional, and spatial information, amino acid conservation, physicochemical variation, residue mobility, and thermodynamic stability) indicates that this missense variant is not expected to disrupt IFNGR1 protein function with a negative predictive value of 80%. In summary, the available evidence is currently insufficient to determine the role of this variant in disease. Therefore, it has been classified as a Variant of Uncertain Significance.